The following is an entry in ClinVar:

NM_017807.4(OSGEP):c.411+1G>A

Genes: OSGEP (O-sialoglycoprotein endopeptidase; minus strand), LOC107372315 (OSGEP/APEX1 bi-directional promoter region; plus strand). Cytogenetic location: 14q11.2.
Variant type: single nucleotide variant.
Coding change: c.411+1G>A on transcript NM_017807.4 (MANE Select); the canonical splice donor site of the intron after coding-DNA position 411, G replaced by A.
Molecular consequence: splice donor variant.
Genome position (GRCh38, 1-based): chr14:20,451,973, C>T on the plus strand (G>A on the coding strand, the complement: OSGEP is on the minus strand). VCF-style: chr14-20451973-C-T. GRCh37 (hg19) VCF-style: chr14-20920132-C-T.
Identifiers: ClinVar variation 3303600 (VCV003303600.3).

ClinVar aggregate classification (germline): Likely pathogenic. Review status: criteria provided, multiple submitters, no conflicts (2 of 4 stars). 2 submissions from 2 submitters: Likely pathogenic (2). Last evaluated 2025-06-09.

Conditions:
Inborn genetic diseases. Identifiers: MedGen C0950123, MeSH D030342.

gnomAD v4.1: 25 of 1,593,456 alleles (0.0016%); highest among the groups gnomAD compares: Non-Finnish European, 0.002%; no homozygotes.

Submissions (2):

Labcorp Genetics (formerly Invitae), Labcorp
Classification: Likely pathogenic. Last evaluated: 2025-06-09. Review status: criteria provided, single submitter. Criteria: Invitae Variant Classification Sherloc (09022015). Collection method: clinical testing. Allele origin: germline.
Comment: This sequence change affects a donor splice site in intron 3 of the OSGEP gene. It is expected to disrupt RNA splicing. Variants that disrupt the donor or acceptor splice site typically lead to a loss of protein function (PMID: 16199547), and loss-of-function variants in OSGEP are known to be pathogenic (PMID: 28805828, 34666032). This variant is present in population databases (rs747801090, gnomAD 0.0009%). This variant has not been reported in the literature in individuals affected with OSGEP-related conditions. ClinVar contains an entry for this variant (Variation ID: 3303600). Algorithms developed to predict the effect of sequence changes on RNA splicing suggest that this variant may disrupt the consensus splice site. In summary, the currently available evidence indicates that the variant is pathogenic, but additional data are needed to prove that conclusively. Therefore, this variant has been classified as Likely Pathogenic.

Ambry Genetics
Classification: Likely pathogenic for Inborn genetic diseases. Last evaluated: 2024-05-30. Review status: criteria provided, single submitter. Criteria: Ambry Variant Classification Scheme 2023. Collection method: clinical testing. Allele origin: germline.
Comment: The c.411+1G>A intronic variant results from a G to A substitution one nucleotide after coding exon 3 of the OSGEP gene. Alterations that disrupt the canonical splice site are expected to cause aberrant splicing, resulting in an abnormal protein or a transcript that is subject to nonsense-mediated mRNA decay. Based on data from gnomAD, the A allele has an overall frequency of <0.001% (1/237334) total alleles studied. The highest observed frequency was 0.001% (1/107652) of European (non-Finnish) alleles. This nucleotide position is highly conserved in available vertebrate species. In silico splice site analysis predicts that this alteration will weaken the native splice donor site and may result in the creation or strengthening of a novel splice donor site. Based on the available evidence, this alteration is classified as likely pathogenic.

Literature cited by the submitters: PubMed 16199547 (cited by Labcorp Genetics (formerly Invitae), Labcorp); PubMed 28805828 (cited by Labcorp Genetics (formerly Invitae), Labcorp); PubMed 34666032 (cited by Labcorp Genetics (formerly Invitae), Labcorp).